The following is an entry in ClinVar:

NM_000540.3(RYR1):c.10505G>A (p.Arg3502Gln)

Gene: RYR1 (ryanodine receptor 1; plus strand). Cytogenetic location: 19q13.2.
Variant type: single nucleotide variant.
Coding change: c.10505G>A on transcript NM_000540.3 (MANE Select); coding-DNA position 10505, G replaced by A.
Protein change: p.Arg3502Gln; replaces arginine 3502 with glutamine.
Molecular consequence: missense variant.
Genome position (GRCh38, 1-based): chr19:38,525,381, G>A. VCF-style: chr19-38525381-G-A. GRCh37 (hg19) VCF-style: chr19-39016021-G-A.
Other names: c.10490G>A, p.Arg3497Gln (NM_001042723.2); short protein forms R3502Q, R3497Q.
Identifiers: ClinVar variation 590368 (VCV000590368.13), dbSNP rs369422480, ClinGen allele CA053918.
Genomic context (GRCh38, chr19:38,525,381, plus strand): 5'-TGTCCCCACAGTCCGGTGGCTCGGACCAGGAACGCACCAAGAAGAAGCGCCGGGGGGACC[G>A]GTACTCTGTGCAGACGTCACTGATCGTGGCCACACTGAAGAAGATGCTGCCCATCGGCCT-3'
Protein context (NP_000531.2, residues 3492-3512): ERTKKKRRGD[Arg3502Gln]YSVQTSLIVA

ClinVar aggregate classification (germline): Uncertain significance. Review status: criteria provided, multiple submitters, no conflicts (2 of 4 stars). 6 submissions from 6 submitters: Uncertain significance (6). Last evaluated 2025-09-10.

Conditions:
RYR1-related disorder. Also called: RYR1-related disorders; RYR1-related condition. Identifiers: MedGen CN239331.
Congenital multicore myopathy with external ophthalmoplegia (CMYO1B). Also called: MULTIMINICORE DISEASE WITH EXTERNAL OPHTHALMOPLEGIA; Congenital myopathy 1B, autosomal recessive; Minicore myopathy; Minicore myopathy with external ophthalmoplegia; MULTICORE MYOPATHY. Identifiers: Orphanet 598, Orphanet 98905, MedGen C1850674, MONDO:0009712, OMIM 255320, HP:0003789.
Congenital myopathy with fiber type disproportion. Also called: Congenital fiber-type disproportion myopathy; Congenital fiber-type disproportion. Identifiers: Orphanet 2020, MedGen C0546264, MONDO:0009711. Inheritance: all.
Malignant hyperthermia, susceptibility to, 1 (MHS1). Also called: Anesthesia related hyperthermia; Malignant hyperpyrexia; Fulminating hyperpyrexia; Pharmacogenic myopathy; RYR1-Related Malignant Hyperthermia Susceptibility; Malignant hyperthermia suceptibility 1. Identifiers: Orphanet 423, MedGen C2930980, MONDO:0007783, OMIM 145600.
Central core myopathy (CMYO1A). Also called: CONGENITAL MYOPATHY 1A, AUTOSOMAL DOMINANT, WITH SUSCEPTIBILITY TO MALIGNANT HYPERTHERMIA; Central core disease; Myopathy, central fibrillar. Identifiers: Orphanet 597, MedGen C5830701, MONDO:0007294, OMIM 117000.
King Denborough syndrome (KDS). Identifiers: MedGen C1840365, MONDO:0020485, OMIM 619542.

Allele frequency attached by ClinVar (database versions not stated): gnomAD exomes 0.00002; ExAC 0.00003; gnomAD 0.00004; TOPMed 0.00004; ESP Exome Variant Server 0.00008.
gnomAD v4.1: 51 of 1,613,820 alleles (0.0032%); highest among the groups gnomAD compares: African/African-American, 0.0094%; no homozygotes.

Submissions (6):

Labcorp Genetics (formerly Invitae), Labcorp
Classification: Uncertain significance for RYR1-related disorder. Last evaluated: 2025-09-10. Review status: criteria provided, single submitter. Criteria: Invitae Variant Classification Sherloc (09022015). Collection method: clinical testing. Allele origin: germline.
Comment: This sequence change replaces arginine, which is basic and polar, with glutamine, which is neutral and polar, at codon 3502 of the RYR1 protein (p.Arg3502Gln). This variant is present in population databases (rs369422480, gnomAD 0.004%). This missense change has been observed in individual(s) with clinical features of RYR1-related conditions (PMID: 32236737). ClinVar contains an entry for this variant (Variation ID: 590368). Invitae Evidence Modeling of protein sequence and biophysical properties (such as structural, functional, and spatial information, amino acid conservation, physicochemical variation, residue mobility, and thermodynamic stability) indicates that this missense variant is not expected to disrupt RYR1 protein function with a negative predictive value of 80%. In summary, the available evidence is currently insufficient to determine the role of this variant in disease. Therefore, it has been classified as a Variant of Uncertain Significance.

All of Us Research Program, National Institutes of Health
Classification: Uncertain significance for Malignant hyperthermia, susceptibility to, 1. Last evaluated: 2024-06-09. Review status: criteria provided, single submitter. Criteria: ACMG Guidelines, 2015. Collection method: clinical testing. Allele origin: germline. Inheritance: Autosomal dominant inheritance. Observed: 11 variant alleles, 11 heterozygotes.
Comment: This missense variant replaces arginine with glutamine at codon 3502 of the RYR1 protein. Computational prediction is inconclusive regarding the impact of this variant on protein structure and function (internally defined REVEL score threshold 0.5 < inconclusive < 0.7, PMID: 27666373). To our knowledge, functional studies have not been reported for this variant. This variant has not been reported in individuals affected with RYR1-related disorders in the literature. This variant has been identified in 7/282630 chromosomes in the general population by the Genome Aggregation Database (gnomAD). The available evidence is insufficient to determine the role of this variant in disease conclusively. Therefore, this variant is classified as a Variant of Uncertain Significance.

This study involves interpretation of variants in research participants for the purpose of population health screening. Participant phenotype was not available at the time of variant classification. Additional details can be found in publication PMID: 35346344, PMCID: PMC8962531

Fulgent Genetics
Classification: Uncertain significance for Central core myopathy; Malignant hyperthermia, susceptibility to, 1; Congenital myopathy 4A, autosomal dominant; Congenital multicore myopathy with external ophthalmoplegia; King Denborough syndrome. Last evaluated: 2021-10-12. Review status: criteria provided, single submitter. Criteria: ACMG Guidelines, 2015. Collection method: clinical testing. Allele origin: unknown.

Revvity Omics, Revvity
Classification: Uncertain significance. Last evaluated: 2021-08-09. Review status: criteria provided, single submitter. Criteria: ACMG Guidelines, 2015. Collection method: clinical testing. Allele origin: germline.

CeGaT Center for Human Genetics Tuebingen
Classification: Uncertain significance. Last evaluated: 2018-09-30. Review status: criteria provided, single submitter. Criteria: Praxis fuer Humangenetik Tuebingen - Variant Classification Criteria. Collection method: clinical testing. Allele origin: germline. Affected: yes. Observed: 1 variant allele.

PreventionGenetics, part of Exact Sciences
Classification: Uncertain significance. Last evaluated: 2015-09-18. Review status: criteria provided, single submitter. Criteria: ACMG Guidelines, 2015. Collection method: clinical testing. Allele origin: germline.

Literature cited by the submitters: PubMed 32236737 (cited by Labcorp Genetics (formerly Invitae), Labcorp).